The following is an entry in ClinVar:

NM_000124.4(ERCC6):c.3464dup (p.Tyr1155Ter)

Gene: ERCC6 (ERCC excision repair 6, chromatin remodeling factor; minus strand). Cytogenetic location: 10q11.23.
Variant type: Duplication.
Coding change: c.3464dup on transcript NM_000124.4 (MANE Select); coding-DNA position 3464, one base duplicated (A; older notation c.3464dupA).
Protein change: p.Tyr1155Ter; replaces tyrosine 1155 with a stop codon.
Molecular consequence: nonsense.
Genome position (GRCh38, 1-based): chr10:49,470,496, T duplicated on the plus strand (A on the coding strand, the reverse complement: ERCC6 is on the minus strand). VCF-style (leftmost placement, unchanged base first): chr10-49470495-G-GT. GRCh37 (hg19) VCF-style: chr10-50678541-G-GT.
Other names: c.3464dup, p.Tyr1155Ter (NM_001346440.2); short protein forms Y1155*.
Identifiers: ClinVar variation 1453999 (VCV001453999.7), dbSNP rs2132537171, ClinGen allele CA2573145157.

ClinVar aggregate classification (germline): Pathogenic. Review status: criteria provided, multiple submitters, no conflicts (2 of 4 stars). 2 submissions from 2 submitters: Pathogenic (2). Last evaluated 2025-09-30.

Conditions:
Cockayne spectrum with or without cerebrooculofacioskeletal syndrome. Identifiers: MedGen CN315928, MONDO:0100506.

Allele frequency attached by ClinVar (database versions not stated): gnomAD exomes below 0.00001.

Submissions (2):

Myriad Genetics, Inc.
Classification: Pathogenic for Cockayne spectrum with or without cerebrooculofacioskeletal syndrome. Last evaluated: 2025-09-30. Review status: criteria provided, single submitter. Criteria: Myriad Autosomal Dominant, Autosomal Recessive and X-Linked Classification Criteria (2023). Collection method: clinical testing. Allele origin: unknown.
Comment: NM_000124.2(ERCC6):c.3464dupA(Y1155*) is a nonsense variant classified as pathogenic in the context of ERCC6-related disorders. Y1155* has not been observed in cases with relevant disease. Relevant functional assessments of this variant are not available in the literature. Y1155* has not been observed in referenced population frequency databases. In summary, NM_000124.2(ERCC6):c.3464dupA(Y1155*) is a nonsense variant in a gene where loss of function is a known mechanism of disease and is predicted to disrupt protein function. Please note: this variant was assessed in the context of healthy population screening.

Labcorp Genetics (formerly Invitae), Labcorp
Classification: Pathogenic. Last evaluated: 2022-04-06. Review status: criteria provided, single submitter. Criteria: Invitae Variant Classification Sherloc (09022015). Collection method: clinical testing. Allele origin: germline.
Comment: This variant has not been reported in the literature in individuals affected with ERCC6-related conditions. For these reasons, this variant has been classified as Pathogenic. This variant is not present in population databases (gnomAD no frequency). This sequence change creates a premature translational stop signal (p.Tyr1155*) in the ERCC6 gene. It is expected to result in an absent or disrupted protein product. Loss-of-function variants in ERCC6 are known to be pathogenic (PMID: 18628313, 29572252).

Literature cited by the submitters: PubMed 18628313 (cited by Labcorp Genetics (formerly Invitae), Labcorp); PubMed 29572252 (cited by Labcorp Genetics (formerly Invitae), Labcorp).